The following is an entry in ClinVar:

NM_001363711.2(DUOX2):c.2335G>A (p.Val779Met)

Gene: DUOX2 (dual oxidase 2; minus strand). Cytogenetic location: 15q21.1.
Variant type: single nucleotide variant.
Coding change: c.2335G>A on transcript NM_001363711.2 (MANE Select); coding-DNA position 2335, G replaced by A.
Protein change: p.Val779Met; replaces valine 779 with methionine.
Molecular consequence: missense variant.
Genome position (GRCh38, 1-based): chr15:45,104,365, C>T on the plus strand (G>A on the coding strand, the complement: DUOX2 is on the minus strand). VCF-style: chr15-45104365-C-T. GRCh37 (hg19) VCF-style: chr15-45396563-C-T.
Other names: c.2335G>A, p.Val779Met (NM_014080.5); short protein forms V779M.
Identifiers: ClinVar variation 886005 (VCV000886005.10), dbSNP rs145061993, ClinGen allele CA7538276.

ClinVar aggregate classification (germline): Uncertain significance. Review status: criteria provided, multiple submitters, no conflicts (2 of 4 stars). 3 submissions from 3 submitters: Uncertain significance (3). Last evaluated 2025-12-01.

Conditions:
Thyroid dyshormonogenesis 6 (TDH6). Also called: HYPOTHYROIDISM, CONGENITAL, DUE TO DYSHORMONOGENESIS, 6; THYROID HORMONOGENESIS, GENETIC DEFECT IN, 6; Genetic transient congenital hypothyroidism. Identifiers: Orphanet 226316, Orphanet 95716, MedGen C1846632, MONDO:0011792, OMIM 607200.

Allele frequency attached by ClinVar (database versions not stated): gnomAD 0.00012 and 0.00017; gnomAD exomes 0.00014 and 0.00029; TOPMed 0.00029; ExAC 0.00041; 1000 Genomes Project 30x 0.00078; 1000 Genomes Project 0.00100.
gnomAD v4.1: 227 of 1,613,412 alleles (0.014%); highest among the groups gnomAD compares: East Asian, 0.49%; no homozygotes.

Submissions (3):

Labcorp Genetics (formerly Invitae), Labcorp
Classification: Uncertain significance. Last evaluated: 2025-12-01. Review status: criteria provided, single submitter. Criteria: Invitae Variant Classification Sherloc (09022015). Collection method: clinical testing. Allele origin: germline.
Comment: This sequence change replaces valine, which is neutral and non-polar, with methionine, which is neutral and non-polar, at codon 779 of the DUOX2 protein (p.Val779Met). This variant is present in population databases (rs145061993, gnomAD 0.4%). This missense change has been observed in individual(s) with congenital hypothyroidism (PMID: 26709262, 26742565, 27498126, 29092890, 30022773, 30154845, 32319661, 32459320). ClinVar contains an entry for this variant (Variation ID: 886005). An algorithm developed to predict the effect of missense changes on protein structure and function (PolyPhen-2) suggests that this variant is likely to be disruptive. Experimental studies are conflicting or provide insufficient evidence to determine the effect of this variant on DUOX2 function (PMID: 29092890, 34564849). In summary, the available evidence is currently insufficient to determine the role of this variant in disease. Therefore, it has been classified as a Variant of Uncertain Significance.

GeneDx
Classification: Uncertain significance. Last evaluated: 2024-11-15. Review status: criteria provided, single submitter. Criteria: GeneDx Variant Classification Process June 2021. Collection method: clinical testing. Allele origin: germline. Affected: yes.
Comment: In silico analysis indicates that this missense variant does not alter protein structure/function; In silico analysis suggests this variant may impact gene splicing. In the absence of RNA/functional studies, the actual effect of this sequence change is unknown.; This variant is associated with the following publications: (PMID: 38105685, 34564849, So2021[Poster], 29092890, 26742565, 32425884, 32319661, 30022773, 32459320, 33631011, 33651715, LiuS2023[Preprint], 26709262, Kim2013[Abstract], 36423704, ChenX2020[Preprint], 30154845, 34539567, 32469330, 27498126)

Illumina Laboratory Services, Illumina
Classification: Uncertain significance for Thyroid dyshormonogenesis 6. Last evaluated: 2017-04-27. Review status: criteria provided, single submitter. Criteria: ICSL Variant Classification Criteria 13 December 2019. Collection method: clinical testing. Allele origin: germline.

Literature cited by the submitters: PubMed 26709262 (cited by Labcorp Genetics (formerly Invitae), Labcorp); PubMed 26742565 (cited by Labcorp Genetics (formerly Invitae), Labcorp); PubMed 27498126 (cited by Labcorp Genetics (formerly Invitae), Labcorp); PubMed 29092890 (cited by Labcorp Genetics (formerly Invitae), Labcorp); PubMed 30022773 (cited by Labcorp Genetics (formerly Invitae), Labcorp); PubMed 30154845 (cited by Labcorp Genetics (formerly Invitae), Labcorp); PubMed 32319661 (cited by Labcorp Genetics (formerly Invitae), Labcorp); PubMed 32459320 (cited by Labcorp Genetics (formerly Invitae), Labcorp); PubMed 34564849 (cited by Labcorp Genetics (formerly Invitae), Labcorp).